The following is an entry in ClinVar:

NM_002755.4(MAP2K1):c.995T>A (p.Leu332Gln)

Gene: MAP2K1 (mitogen-activated protein kinase kinase 1; plus strand). Cytogenetic location: 15q22.31.
Variant type: single nucleotide variant.
Coding change: c.995T>A on transcript NM_002755.4 (MANE Select); coding-DNA position 995, T replaced by A.
Protein change: p.Leu332Gln; replaces leucine 332 with glutamine.
Molecular consequence: missense variant.
Genome position (GRCh38, 1-based): chr15:66,489,249, T>A. VCF-style: chr15-66489249-T-A. GRCh37 (hg19) VCF-style: chr15-66781587-T-A.
Other names: short protein forms L332Q.
Identifiers: ClinVar variation 1513858 (VCV001513858.8), dbSNP rs1316044036, ClinGen allele CA392938261.

ClinVar aggregate classification (germline): Uncertain significance (1 of 4 stars; one submission).

Conditions:
RASopathy. Also called: Noonan spectrum disorder; rasopathies. Identifiers: Orphanet 536391, MedGen C5555857, MONDO:0021060.

Submission:

Labcorp Genetics (formerly Invitae), Labcorp
Classification: Uncertain significance for RASopathy. Last evaluated: 2021-01-01. Review status: criteria provided, single submitter. Criteria: Invitae Variant Classification Sherloc (09022015). Collection method: clinical testing. Allele origin: germline.
Comment: This sequence change replaces leucine with glutamine at codon 332 of the MAP2K1 protein (p.Leu332Gln). The leucine residue is weakly conserved and there is a moderate physicochemical difference between leucine and glutamine. In summary, the available evidence is currently insufficient to determine the role of this variant in disease. Therefore, it has been classified as a Variant of Uncertain Significance. Advanced modeling of protein sequence and biophysical properties (such as structural, functional, and spatial information, amino acid conservation, physicochemical variation, residue mobility, and thermodynamic stability) performed at Invitae indicates that this missense variant is not expected to disrupt MAP2K1 protein function. This variant has not been reported in the literature in individuals with MAP2K1-related conditions. This variant is not present in population databases (ExAC no frequency).